The following is an entry in ClinVar:

NM_001386298.1(CIC):c.394G>C (p.Gly132Arg)

Gene: CIC (capicua transcriptional repressor; plus strand). Cytogenetic location: 19q13.2.
Variant type: single nucleotide variant.
Coding change: c.394G>C on transcript NM_001386298.1 (MANE Select); coding-DNA position 394, G replaced by C.
Protein change: p.Gly132Arg; replaces glycine 132 with arginine.
Molecular consequence: missense variant.
Genome position (GRCh38, 1-based): chr19:42,272,177, G>C. VCF-style: chr19-42272177-G-C. GRCh37 (hg19) VCF-style: chr19-42776329-G-C.
Other names: c.394G>C, p.Gly132Arg (NM_001304815.2, NM_001379480.1, NM_001379482.1 and 1 more transcripts); short protein forms G132R.
Identifiers: ClinVar variation 2672769 (VCV002672769.23), dbSNP rs1394375990, ClinGen allele CA406081680.

ClinVar aggregate classification (germline): Uncertain significance (1 of 4 stars; one submission).

Allele frequency attached by ClinVar (database versions not stated): gnomAD exomes below 0.00001; TOPMed 0.00001.

Submission:

CeGaT Center for Human Genetics Tuebingen
Classification: Uncertain significance. Last evaluated: 2023-11-01. Review status: criteria provided, single submitter. Criteria: CeGaT Center For Human Genetics Tuebingen Variant Classification Criteria Version 2. Collection method: clinical testing. Allele origin: germline. Affected: yes. Observed: 1 variant allele.
Comment: CIC: PM2